The following is an entry in ClinVar:

NM_001384732.1(CPLANE1):c.6026T>C (p.Leu2009Pro)

Gene: CPLANE1 (ciliogenesis and planar polarity effector complex subunit 1; minus strand). Cytogenetic location: 5p13.2.
Variant type: single nucleotide variant.
Coding change: c.6026T>C on transcript NM_001384732.1 (MANE Select); coding-DNA position 6026, T replaced by C.
Protein change: p.Leu2009Pro; replaces leucine 2009 with proline.
Molecular consequence: missense variant.
Genome position (GRCh38, 1-based): chr5:37,173,900, A>G on the plus strand (T>C on the coding strand, the complement: CPLANE1 is on the minus strand). VCF-style: chr5-37173900-A-G. GRCh37 (hg19) VCF-style: chr5-37174002-A-G.
Other names: c.6026T>C, p.Leu2009Pro (NM_023073.4); short protein forms L2009P.
Identifiers: ClinVar variation 1356114 (VCV001356114.8), dbSNP rs1561493895, ClinGen allele CA359485058.
Genomic context (GRCh38, chr5:37,173,900, plus strand): 5'-TGGGTCTTCTGAGGTGTTGGAGCAGGTGGTTGTGAAGCAACATTGACTCCATTTGATATC[A>G]GAAGTGGAACTGAGGAAGATTTTTCTTTATATGTAGAAATCTGTGCACTGCGTGGAAAGC-3'
Protein context (NP_001371661.1, residues 1999-2019): YKEKSSSVPL[Leu2009Pro]ISNGVNVASQ

ClinVar aggregate classification (germline): Uncertain significance (1 of 4 stars; one submission).

Allele frequency attached by ClinVar (database versions not stated): gnomAD exomes below 0.00001.
gnomAD v4.1: 1 of 1,614,182 alleles (0.000062%); highest among the groups gnomAD compares: Admixed American, 0.0017%; no homozygotes.

Submission:

Labcorp Genetics (formerly Invitae), Labcorp
Classification: Uncertain significance. Last evaluated: 2022-11-22. Review status: criteria provided, single submitter. Criteria: Invitae Variant Classification Sherloc (09022015). Collection method: clinical testing. Allele origin: germline.
Comment: This sequence change replaces leucine, which is neutral and non-polar, with proline, which is neutral and non-polar, at codon 2009 of the CPLANE1 protein (p.Leu2009Pro). This variant is not present in population databases (gnomAD no frequency). This variant has not been reported in the literature in individuals affected with CPLANE1-related conditions. ClinVar contains an entry for this variant (Variation ID: 1356114). Advanced modeling of protein sequence and biophysical properties (such as structural, functional, and spatial information, amino acid conservation, physicochemical variation, residue mobility, and thermodynamic stability) performed at Invitae indicates that this missense variant is not expected to disrupt CPLANE1 protein function. In summary, the available evidence is currently insufficient to determine the role of this variant in disease. Therefore, it has been classified as a Variant of Uncertain Significance.